The following is an entry in ClinVar:

NM_000059.4(BRCA2):c.5270_5286del (p.Tyr1757fs)

Gene: BRCA2 (BRCA2 DNA repair associated; plus strand). Cytogenetic location: 13q13.1.
Variant type: Deletion.
Coding change: c.5270_5286del on transcript NM_000059.4 (MANE Select); coding-DNA positions 5270 to 5286, 17 bases deleted (ATAATGATTCAGGATAT).
Protein change: p.Tyr1757fs; shifts the reading frame from tyrosine 1757.
Molecular consequence: frameshift variant.
Genome position (GRCh38, 1-based): chr13:32,339,625-32,339,641, ATAATGATTCAGGATAT deleted; deleting any 17 consecutive bases within chr13:32,339,622-32,339,641 gives the same sequence; the c. name uses the placement nearest the transcript's 3' end. VCF-style (leftmost placement, unchanged base first): chr13-32339621-GTATATAATGATTCAGGA-G. GRCh37 (hg19) VCF-style: chr13-32913758-GTATATAATGATTCAGGA-G.
Other names: 5498del17; p.Tyr1757Serfs*5; c.5270_5286delATAATGATTCAGGATAT (NM_000059.3).
Identifiers: ClinVar variation 126065 (VCV000126065.28), dbSNP rs80359502, ClinGen allele CA021904.

ClinVar aggregate classification (germline): Pathogenic. Review status: reviewed by expert panel (3 of 4 stars). 11 submissions from 11 submitters: Pathogenic (1). 10 of the submissions do not count toward it. Last evaluated 2016-09-08.

Conditions:
Hereditary cancer-predisposing syndrome. Also called: Hereditary Cancer Syndrome; Tumor predisposition; Hereditary neoplastic syndrome; Neoplastic Syndromes, Hereditary. Identifiers: Orphanet 140162, MedGen C0027672, MeSH D009386, MONDO:0015356.
Hereditary breast ovarian cancer syndrome. Also called: Hereditary breast and ovarian cancer syndrome; Hereditary breast and ovarian cancer syndrome (HBOC); Breast and ovarian cancer; BRCA1- and BRCA2-Associated Hereditary Breast and Ovarian Cancer; Hereditary breast and/or ovarian cancer syndrome; Hereditary breast and ovarian cancer. Identifiers: Orphanet 145, MedGen C0677776, MeSH D061325, MONDO:0003582. Disease mechanism: loss of function.
Breast-ovarian cancer, familial, susceptibility to, 2 (BROVCA2). Also called: BRCA2 Hereditary Breast and Ovarian Cancer. Identifiers: Orphanet 145, MedGen C2675520, MONDO:0012933, OMIM 612555. Disease mechanism: loss of function.
Familial cancer of breast. Also called: hereditary breast carcinoma; Hereditary breast cancer; BREAST CANCER, FAMILIAL. Identifiers: Orphanet 227535, MedGen C0346153, MONDO:0016419, OMIM 114480. Disease mechanism: loss of function.

Submissions (11):

Evidence-based Network for the Interpretation of Germline Mutant Alleles (ENIGMA)
Classification: Pathogenic for Breast-ovarian cancer, familial, susceptibility to, 2. Last evaluated: 2016-09-08. Review status: reviewed by expert panel. Criteria: ENIGMA BRCA1/2 Classification Criteria (2015). Collection method: curation. Allele origin: germline.
Comment: Variant allele predicted to encode a truncated non-functional protein.

Mayo Clinic Laboratories, Mayo Clinic
Classification: Pathogenic. Last evaluated: 2025-09-04. Review status: criteria provided, single submitter. Criteria: ACMG Guidelines, 2015. Collection method: clinical testing. Allele origin: germline. Observed: 1 variant allele. Not counted in ClinVar's aggregate classification.
Comment: PM2_supporting, PM5_strong, PVS1

Ambry Genetics
Classification: Pathogenic for Hereditary cancer-predisposing syndrome. Last evaluated: 2024-12-31. Review status: criteria provided, single submitter. Criteria: Ambry Variant Classification Scheme 2023. Collection method: clinical testing. Allele origin: germline. Not counted in ClinVar's aggregate classification.
Comment: The c.5270_5286del17 pathogenic mutation, located in coding exon 10 of the BRCA2 gene, results from a deletion of 17 nucleotides at nucleotide positions 5270 to 5286, causing a translational frameshift with a predicted alternate stop codon (p.Y1757Sfs*5). This alteration is expected to result in loss of function by premature protein truncation or nonsense-mediated mRNA decay. As such, this alteration is interpreted as a disease-causing mutation.

Labcorp Genetics (formerly Invitae), Labcorp
Classification: Pathogenic for Hereditary breast ovarian cancer syndrome. Last evaluated: 2024-10-07. Review status: criteria provided, single submitter. Criteria: Invitae Variant Classification Sherloc (09022015). Collection method: clinical testing. Allele origin: germline. Not counted in ClinVar's aggregate classification.
Comment: This sequence change creates a premature translational stop signal (p.Tyr1757Serfs*5) in the BRCA2 gene. It is expected to result in an absent or disrupted protein product. Loss-of-function variants in BRCA2 are known to be pathogenic (PMID: 20104584). This variant is not present in population databases (gnomAD no frequency). This variant has not been reported in the literature in individuals affected with BRCA2-related conditions. ClinVar contains an entry for this variant (Variation ID: 126065). For these reasons, this variant has been classified as Pathogenic.

Sema4
Classification: Pathogenic for Hereditary cancer-predisposing syndrome. Last evaluated: 2022-02-16. Review status: criteria provided, single submitter. Criteria: Sema4 Curation Guidelines. Collection method: curation. Allele origin: germline. Not counted in ClinVar's aggregate classification.
Comment: The BRCA2 c.5270_5286del (p.Y1757SfsX5) variant has been reported in 2 families from the CIMBA study (PMID: 29446198). This variant causes a frameshift at amino acid 1757 that results in premature termination 5 amino acids downstream. At this location, nonsense-mediated decay is predicted to occur, resulting in a loss of gene function. Loss of function variants in BRCA2 are known to be pathogenic (PMID: 29446198). This variant is not reported in the population database Genome Aggregation Database (PMID: 32461654), but has been reported in ClinVar (Variation ID: 126065). Based on the current evidence available, this variant is interpreted as pathogenic.

Baylor Genetics
Classification: Pathogenic for Familial cancer of breast. Last evaluated: 2021-06-09. Review status: criteria provided, single submitter. Criteria: ACMG Guidelines, 2015. Collection method: clinical testing. Allele origin: unknown. Not counted in ClinVar's aggregate classification.

Color Diagnostics, LLC DBA Color Health
Classification: Pathogenic for Hereditary cancer-predisposing syndrome. Last evaluated: 2020-09-15. Review status: criteria provided, single submitter. Criteria: ACMG Guidelines, 2015. Collection method: clinical testing. Allele origin: germline. Not counted in ClinVar's aggregate classification.
Comment: This variant deletes 17 nucleotides in exon 11 of the BRCA2 gene, creating a frameshift and premature translation stop signal. This variant is expected to result in an absent or non-functional protein product. To our knowledge, this variant has not been reported in individuals affected with hereditary cancer in the literature. This variant has not been identified in the general population by the Genome Aggregation Database (gnomAD). Loss of BRCA2 function is a known mechanism of disease. Based on the available evidence, this variant is classified as Pathogenic.

GeneDx
Classification: Pathogenic. Last evaluated: 2019-12-01. Review status: criteria provided, single submitter. Criteria: GeneDx Variant Classification Process June 2021. Collection method: clinical testing. Allele origin: germline. Affected: yes. Not counted in ClinVar's aggregate classification.
Comment: Frameshift variant predicted to result in protein truncation or nonsense mediated decay in a gene for which loss-of-function is a known mechanism of disease; Has not been previously published as pathogenic or benign to our knowledge; Truncating variants in this gene are considered pathogenic by a well-established clinical consortium and/or database; Not observed in large population cohorts (Lek 2016); Also known as c.5498_5514del17

Consortium of Investigators of Modifiers of BRCA1/2 (CIMBA), c/o University of Cambridge
Classification: Pathogenic for Breast-ovarian cancer, familial, susceptibility to, 2. Last evaluated: 2015-10-02. Review status: criteria provided, single submitter. Criteria: CIMBA Mutation Classification guidelines May 2016. Collection method: clinical testing. Allele origin: germline. Not counted in ClinVar's aggregate classification.

Counsyl
Classification: Likely pathogenic for Breast-ovarian cancer, familial, susceptibility to, 2. Last evaluated: 2016-05-25. Review status: no assertion criteria provided. Collection method: clinical testing. Allele origin: unknown. Not counted in ClinVar's aggregate classification.

Breast Cancer Information Core (BIC) (BRCA2)
Classification: Pathogenic for Breast-ovarian cancer, familial 2. Last evaluated: 2003-12-23. Review status: no assertion criteria provided. Collection method: clinical testing. Allele origin: germline. Affected: yes. Observed: 1 variant allele. Not counted in ClinVar's aggregate classification.

Literature cited by the submitters: PubMed 29446198 (cited by Mayo Clinic Laboratories, Mayo Clinic and Sema4); PubMed 20104584 (cited by Labcorp Genetics (formerly Invitae), Labcorp).